The following is an entry in ClinVar:

ClinVar aggregate classification (germline): Pathogenic. Review status: criteria provided, multiple submitters, no conflicts (2 of 4 stars). 2 submissions from 2 submitters: Pathogenic (2). Last evaluated 2025-07-07.

Conditions:
Familial cancer of breast. Also called: Hereditary breast cancer; BREAST CANCER, FAMILIAL; hereditary breast carcinoma. Identifiers: Orphanet 227535, MedGen C0346153, MONDO:0016419, OMIM 114480. Disease mechanism: loss of function.
Ataxia-telangiectasia syndrome (AT). Also called: Ataxia telangiectasia (A-T); Ataxia-telangiectasia, complementation group D; Ataxia-telangiectasia, complementation group E; LOUIS-BAR SYNDROME; Cerebello-oculocutaneous telangiectasia; Immunodeficiency with ataxia telangiectasia. Identifiers: Orphanet 100, MedGen C0004135, MONDO:0008840, OMIM 208900.

Submissions (2):

Labcorp Genetics (formerly Invitae), Labcorp
Classification: Pathogenic for Ataxia-telangiectasia syndrome. Last evaluated: 2025-07-07. Review status: criteria provided, single submitter. Criteria: Invitae Variant Classification Sherloc (09022015). Collection method: clinical testing. Allele origin: germline.
Comment: This sequence change creates a premature translational stop signal (p.Ile1404Phefs*2) in the ATM gene. It is expected to result in an absent or disrupted protein product. Loss-of-function variants in ATM are known to be pathogenic (PMID: 23807571, 25614872). This variant is not present in population databases (gnomAD no frequency). This variant has not been reported in the literature in individuals affected with ATM-related conditions. ClinVar contains an entry for this variant (Variation ID: 3148402). Algorithms developed to predict the effect of sequence changes on RNA splicing suggest that this variant may disrupt the consensus splice site. For these reasons, this variant has been classified as Pathogenic.

Myriad Genetics, Inc.
Classification: Pathogenic for Familial cancer of breast. Last evaluated: 2024-01-23. Review status: criteria provided, single submitter. Criteria: Myriad Autosomal Dominant, Autosomal Recessive and X-Linked Classification Criteria (2023). Collection method: clinical testing. Allele origin: unknown.
Comment: This variant is considered pathogenic. This variant creates a frameshift predicted to result in premature protein truncation.

Literature cited by the submitters: PubMed 23807571 (cited by Labcorp Genetics (formerly Invitae), Labcorp); PubMed 25614872 (cited by Labcorp Genetics (formerly Invitae), Labcorp).

NM_000051.4(ATM):c.4210del (p.Ile1404fs)

Gene: ATM (ATM serine/threonine kinase; plus strand). Cytogenetic location: 11q22.3.
Variant type: Deletion.
Coding change: c.4210del on transcript NM_000051.4 (MANE Select); coding-DNA position 4210, one base deleted (A; older notation c.4210delA).
Protein change: p.Ile1404fs; shifts the reading frame from isoleucine 1404.
Molecular consequence: frameshift variant.
Genome position (GRCh38, 1-based): chr11:108,289,077, A deleted. VCF-style (leftmost placement, unchanged base first): chr11-108289076-CA-C. GRCh37 (hg19) VCF-style: chr11-108159803-CA-C.
Other names: c.4210del, p.Ile1404fs (NM_001351834.2); short protein forms I1404fs.
Identifiers: ClinVar variation 3148402 (VCV003148402.2), dbSNP rs2546904817, ClinGen allele CA2825001843.
Genomic context (GRCh38, chr11:108,289,076, plus strand): 5'-GCATGTGATTAAAGCAACATTTGCCTATATCAGCAATTGTCATAAAACCAAGTTAAAAAG[CA>C]TTTTAGAAATTCTTTCCAAAAGCCCTGTAAGTATACATGATGAGTTTAATAATAGAACAT-3'